The following is an entry in ClinVar:

NM_016156.6(MTMR2):c.92C>T (p.Ser31Phe)

Gene: MTMR2 (myotubularin related protein 2; minus strand). Cytogenetic location: 11q21.
Variant type: single nucleotide variant.
Coding change: c.92C>T on transcript NM_016156.6 (MANE Select); coding-DNA position 92, C replaced by T.
Protein change: p.Ser31Phe; replaces serine 31 with phenylalanine.
Molecular consequence: missense variant. On other transcripts: 5 prime UTR variant (3).
Genome position (GRCh38, 1-based): chr11:95,888,250, G>A on the plus strand (C>T on the coding strand, the complement: MTMR2 is on the minus strand). VCF-style: chr11-95888250-G-A. GRCh37 (hg19) VCF-style: chr11-95621414-G-A.
Other names: c.-321C>T (NM_001243571.2); c.-248C>T (NM_201278.3); c.-125C>T (NM_201281.3); short protein forms S31F.
Identifiers: ClinVar variation 1439607 (VCV001439607.8), dbSNP rs748872681, ClinGen allele CA6240462.

ClinVar aggregate classification (germline): Uncertain significance (1 of 4 stars; one submission).

Conditions:
Charcot-Marie-Tooth disease type 4. Also called: Charcot-Marie-Tooth disease, type IV; Charcot-Marie-Tooth, Type 4. Identifiers: Orphanet 64749, MedGen C4082197, MONDO:0018995.

Allele frequency attached by ClinVar (database versions not stated): ExAC 0.00001; gnomAD exomes 0.00001.
gnomAD v4.1: 7 of 1,612,858 alleles (0.00043%); highest among the groups gnomAD compares: Admixed American, 0.005%; no homozygotes.

Submission:

Labcorp Genetics (formerly Invitae), Labcorp
Classification: Uncertain significance for Charcot-Marie-Tooth disease type 4. Last evaluated: 2021-05-16. Review status: criteria provided, single submitter. Criteria: Invitae Variant Classification Sherloc (09022015). Collection method: clinical testing. Allele origin: germline.
Comment: Advanced modeling of protein sequence and biophysical properties (such as structural, functional, and spatial information, amino acid conservation, physicochemical variation, residue mobility, and thermodynamic stability) performed at Invitae indicates that this missense variant is not expected to disrupt MTMR2 protein function. In summary, the available evidence is currently insufficient to determine the role of this variant in disease. Therefore, it has been classified as a Variant of Uncertain Significance. This sequence change replaces serine with phenylalanine at codon 31 of the MTMR2 protein (p.Ser31Phe). The serine residue is moderately conserved and there is a large physicochemical difference between serine and phenylalanine. This variant is present in population databases (rs748872681, ExAC 0.009%). This variant has not been reported in the literature in individuals with MTMR2-related conditions.